The following is an entry in ClinVar:

ClinVar aggregate classification (germline): Uncertain significance. Review status: criteria provided, multiple submitters, no conflicts (2 of 4 stars). 2 submissions from 2 submitters: Uncertain significance (2). Last evaluated 2025-03-20.

Conditions:
Inborn genetic diseases. Identifiers: MedGen C0950123, MeSH D030342.
Muscular dystrophy-dystroglycanopathy (congenital with brain and eye anomalies), type a, 11 (MDDGA11). Also called: Congenital muscular dystrophy-dystroglycanopathy with brain and eye anomalies, type A11; WALKER-WARBURG SYNDROME OR MUSCLE-EYE-BRAIN DISEASE, B3GALNT2-RELATED; Muscular dystrophy-dystroglycanopathy (congenital with brain and eye anomalies, type A, 11. Identifiers: Orphanet 588, Orphanet 899, MedGen C3554638, MONDO:0014071, OMIM 615181.

Allele frequency attached by ClinVar (database versions not stated): gnomAD exomes 0.00001; gnomAD 0.00003; TOPMed 0.00002; ESP Exome Variant Server 0.00008.
gnomAD v4.1: 13 of 1,613,734 alleles (0.00081%); highest among the groups gnomAD compares: Middle Eastern, 0.033%; no homozygotes.

Submissions (2):

Ambry Genetics
Classification: Uncertain significance for Inborn genetic diseases. Last evaluated: 2025-03-20. Review status: criteria provided, single submitter. Criteria: Ambry Variant Classification Scheme 2023. Collection method: clinical testing. Allele origin: germline.

Labcorp Genetics (formerly Invitae), Labcorp
Classification: Uncertain significance for Muscular dystrophy-dystroglycanopathy (congenital with brain and eye anomalies), type a, 11. Last evaluated: 2022-03-08. Review status: criteria provided, single submitter. Criteria: Invitae Variant Classification Sherloc (09022015). Collection method: clinical testing. Allele origin: germline.
Comment: This sequence change replaces proline, which is neutral and non-polar, with leucine, which is neutral and non-polar, at codon 478 of the B3GALNT2 protein (p.Pro478Leu). This variant is present in population databases (rs373773440, gnomAD 0.006%). This variant has not been reported in the literature in individuals affected with B3GALNT2-related conditions. ClinVar contains an entry for this variant (Variation ID: 651263). Algorithms developed to predict the effect of missense changes on protein structure and function (SIFT, PolyPhen-2, Align-GVGD) all suggest that this variant is likely to be tolerated. In summary, the available evidence is currently insufficient to determine the role of this variant in disease. Therefore, it has been classified as a Variant of Uncertain Significance.

NM_152490.5(B3GALNT2):c.1433C>T (p.Pro478Leu)

Genes: B3GALNT2 (beta-1,3-N-acetylgalactosaminyltransferase 2; minus strand), TBCE (tubulin folding cofactor E; plus strand). Cytogenetic location: 1q42.3.
Variant type: single nucleotide variant.
Coding change: c.1433C>T on transcript NM_152490.5 (MANE Select); coding-DNA position 1433, C replaced by T.
Protein change: p.Pro478Leu; replaces proline 478 with leucine.
Molecular consequence: missense variant. On other transcripts: 3 prime UTR variant (4).
Genome position (GRCh38, 1-based): chr1:235,450,276, G>A on the plus strand (C>T on the coding strand, the complement: B3GALNT2 is on the minus strand). VCF-style: chr1-235450276-G-A. GRCh37 (hg19) VCF-style: chr1-235613591-G-A.
Other names: c.*1514G>A (NM_001079515.3, NM_001287801.2, NM_001287802.2 and 1 more transcripts); c.1433C>T (NM_152490.2); short protein forms P478L.
Identifiers: ClinVar variation 651263 (VCV000651263.4), dbSNP rs373773440, ClinGen allele CA1464585.